The following is an entry in ClinVar:

ClinVar aggregate classification (germline): Uncertain significance (0 of 4 stars; one submission).

Conditions:
SH2B1-related disorder. Also called: SH2B1-related condition.

Submission:

PreventionGenetics, part of Exact Sciences
Classification: Uncertain significance for SH2B1-related condition. Last evaluated: 2024-07-02. Review status: no assertion criteria provided. Collection method: clinical testing. Allele origin: germline.
Comment: The SH2B1 c.1331A>G variant is predicted to result in the amino acid substitution p.Asp444Gly. To our knowledge, this variant has not been reported in the literature or in a large population database, indicating this variant is rare. At this time, the clinical significance of this variant is uncertain due to the absence of conclusive functional and genetic evidence.

NM_001387430.1(SH2B1):c.1331A>G (p.Asp444Gly)

Gene: SH2B1 (SH2B adaptor protein 1; plus strand). Cytogenetic location: 16p11.2.
Variant type: single nucleotide variant.
Coding change: c.1331A>G on transcript NM_001387430.1 (MANE Select); coding-DNA position 1331, A replaced by G.
Protein change: p.Asp444Gly; replaces aspartic acid 444 with glycine.
Molecular consequence: missense variant.
Genome position (GRCh38, 1-based): chr16:28,871,801, A>G. VCF-style: chr16-28871801-A-G. GRCh37 (hg19) VCF-style: chr16-28883122-A-G.
Other names: c.1331A>G, p.Asp444Gly (NM_001145795.2, NM_001145796.2, NM_001145797.2 and 4 more transcripts); c.323A>G, p.Asp108Gly (NM_001308294.2); short protein forms D108G, D444G.
Identifiers: ClinVar variation 3345926 (VCV003345926.1).